The following is an entry in ClinVar:

NM_006946.4(SPTBN2):c.1701G>A (p.Glu567=)

Gene: SPTBN2 (spectrin beta, non-erythrocytic 2; minus strand). Cytogenetic location: 11q13.2.
Variant type: single nucleotide variant.
Coding change: c.1701G>A on transcript NM_006946.4 (MANE Select); coding-DNA position 1701, G replaced by A.
Protein change: p.Glu567=; no amino-acid change (glutamic acid 567 retained).
Molecular consequence: synonymous variant.
Genome position (GRCh38, 1-based): chr11:66,705,790, C>T on the plus strand (G>A on the coding strand, the complement: SPTBN2 is on the minus strand). VCF-style: chr11-66705790-C-T. GRCh37 (hg19) VCF-style: chr11-66473261-C-T.
Other names: c.1701G>A (NM_006946.2).
Identifiers: ClinVar variation 500065 (VCV000500065.6), dbSNP rs1380619480, ClinGen allele CA475372987.
Genomic context (GRCh38, chr11:66,705,790, plus strand): 5'-CACCCTCTCGGCCTGCACGGCGATGTCTGCCTCCACCAGCTCGTGCAGCTGCAGCAGGTC[C>T]TCCACTCCTGCTAGGTGCCTGCCCAGGTCCTGAGACTGCAGCCGGCCCTGCCAGGCACAC-3'
Protein context (NP_008877.2, residues 557-577): QDLGRHLAGV[Glu567=]DLLQLHELVE

ClinVar aggregate classification (germline): Conflicting classifications of pathogenicity. Review status: criteria provided, conflicting classifications (1 of 4 stars). 2 submissions from 2 submitters: Uncertain significance (1); Likely benign (1). Last evaluated 2025-08-28.

Allele frequency attached by ClinVar (database versions not stated): TOPMed below 0.00001; gnomAD 0.00001; gnomAD exomes 0.00001.

Submissions (2):

Athena Diagnostics
Classification: Likely benign. Last evaluated: 2025-08-28. Review status: criteria provided, single submitter. Criteria: Athena Diagnostics Criteria. Collection method: clinical testing. Allele origin: unknown.
Comment: Computational tools yielded predictions that this variant is unlikely to have an effect on normal RNA splicing. This nucleotide position exhibits low evolutionary conservation.

Eurofins Ntd Llc (ga)
Classification: Uncertain significance. Last evaluated: 2017-02-06. Review status: criteria provided, single submitter. Criteria: EGL Classification Definitions 2015. Collection method: clinical testing. Allele origin: germline. Observed: 1 variant allele, 1 heterozygote.